The following is an entry in ClinVar:

NM_001127208.3(TET2):c.2771A>G (p.His924Arg)

Genes: TET2-AS1 (TET2 antisense RNA 1; minus strand), TET2 (tet methylcytosine dioxygenase 2; plus strand). Cytogenetic location: 4q24.
Variant type: single nucleotide variant.
Coding change: c.2771A>G on transcript NM_001127208.3 (MANE Select); coding-DNA position 2771, A replaced by G.
Protein change: p.His924Arg; replaces histidine 924 with arginine.
Molecular consequence: missense variant.
Genome position (GRCh38, 1-based): chr4:105,236,713, A>G. VCF-style: chr4-105236713-A-G. GRCh37 (hg19) VCF-style: chr4-106157870-A-G.
Other names: c.2771A>G, p.His924Arg (NM_017628.4); short protein forms H924R.
Identifiers: ClinVar variation 135305 (VCV000135305.14), dbSNP rs34485921, ClinGen allele CA162290.
Genomic context (GRCh38, chr4:105,236,713, plus strand): 5'-AAGATATGTCTGGTCAACAAGCTGCGCAACTTGCTCAGCAAAGGTACTTGATACATAACC[A>G]TGCAAATGTTTTTCCTGTGCCTGACCAGGGAGGAAGTCACACTCAGACCCCTCCCCAGAA-3'
Protein context (NP_001120680.1, residues 914-934): LAQQRYLIHN[His924Arg]ANVFPVPDQG

ClinVar aggregate classification (germline): Benign. Review status: criteria provided, multiple submitters, no conflicts (2 of 4 stars). 5 submissions from 5 submitters: Benign (4). 1 of the submissions does not count toward it. Last evaluated 2026-01-26.

Allele frequency attached by ClinVar (database versions not stated): ExAC 0.00232; gnomAD 0.00687 and 0.00733; 1000 Genomes Project 0.00739; ESP Exome Variant Server 0.00777; 1000 Genomes Project 30x 0.00796; TOPMed 0.00823.
gnomAD v4.1: 2,108 of 1,614,148 alleles (0.13%); highest among the groups gnomAD compares: African/African-American, 2.5%; 34 homozygotes.

Submissions (5):

Labcorp Genetics (formerly Invitae), Labcorp
Classification: Benign. Last evaluated: 2026-01-26. Review status: criteria provided, single submitter. Criteria: Invitae Variant Classification Sherloc (09022015). Collection method: clinical testing. Allele origin: germline.

Mayo Clinic Laboratories, Mayo Clinic
Classification: Benign. Last evaluated: 2025-01-27. Review status: criteria provided, single submitter. Criteria: ACMG Guidelines, 2015. Collection method: clinical testing. Allele origin: germline. Observed: 1 variant allele.
Comment: BS1, BS2, BP4_strong

Genetic Services Laboratory, University of Chicago
Classification: Benign. Last evaluated: 2021-11-24. Review status: criteria provided, single submitter. Criteria: ACMG Guidelines, 2015. Collection method: clinical testing. Allele origin: germline. Affected: no.

Breakthrough Genomics
Classification: Benign. Review status: criteria provided, single submitter. Criteria: ACMG Guidelines, 2015. Collection method: not provided. Allele origin: germline. Inheritance: Autosomal recessive inheritance. Affected: yes.

ITMI
No classification provided. Condition: AllHighlyPenetrant. Last evaluated: 2013-09-19. Review status: no classification provided. Collection method: reference population. Allele origin: germline. Not counted in ClinVar's aggregate classification.
Comment: Please see associated publication for description of ethnicities

Literature cited by the submitters: PubMed 24728327 (cited by ITMI).